The following is an entry in ClinVar:

NM_001563.4(IMPG1):c.52G>C (p.Val18Leu)

Gene: IMPG1 (interphotoreceptor matrix proteoglycan 1; minus strand). Cytogenetic location: 6q14.1.
Variant type: single nucleotide variant.
Coding change: c.52G>C on transcript NM_001563.4 (MANE Select); coding-DNA position 52, G replaced by C.
Protein change: p.Val18Leu; replaces valine 18 with leucine.
Molecular consequence: missense variant.
Genome position (GRCh38, 1-based): chr6:76,072,437, C>G on the plus strand (G>C on the coding strand, the complement: IMPG1 is on the minus strand). VCF-style: chr6-76072437-C-G. GRCh37 (hg19) VCF-style: chr6-76782154-C-G.
Other names: c.52G>C, p.Val18Leu (NM_001282368.2); short protein forms V18L.
Identifiers: ClinVar variation 1428722 (VCV001428722.7), dbSNP rs376105349, ClinGen allele CA3898671.

ClinVar aggregate classification (germline): Uncertain significance. Review status: criteria provided, multiple submitters, no conflicts (2 of 4 stars). 2 submissions from 2 submitters: Uncertain significance (2). Last evaluated 2025-08-30.

Allele frequency attached by ClinVar (database versions not stated): gnomAD 0.00001; TOPMed 0.00003.
gnomAD v4.1: 8 of 1,585,286 alleles (0.0005%); highest among the groups gnomAD compares: East Asian, 0.0068%; no homozygotes.

Submissions (2):

Labcorp Genetics (formerly Invitae), Labcorp
Classification: Uncertain significance. Last evaluated: 2025-08-30. Review status: criteria provided, single submitter. Criteria: Invitae Variant Classification Sherloc (09022015). Collection method: clinical testing. Allele origin: germline.
Comment: This sequence change replaces valine, which is neutral and non-polar, with leucine, which is neutral and non-polar, at codon 18 of the IMPG1 protein (p.Val18Leu). This variant is present in population databases (rs376105349, gnomAD 0.02%). This variant has not been reported in the literature in individuals affected with IMPG1-related conditions. ClinVar contains an entry for this variant (Variation ID: 1428722). An algorithm developed to predict the effect of missense changes on protein structure and function (PolyPhen-2) suggests that this variant is likely to be tolerated. In summary, the available evidence is currently insufficient to determine the role of this variant in disease. Therefore, it has been classified as a Variant of Uncertain Significance.

Blueprint Genetics
Classification: Uncertain significance. Last evaluated: 2023-11-29. Review status: criteria provided, single submitter. Criteria: ACMG Guidelines, 2015. Collection method: clinical testing. Allele origin: germline.